The following is an entry in ClinVar:

NM_022336.4(EDAR):c.1088del (p.Thr363fs)

Genes: EDAR (ectodysplasin A receptor; minus strand), RANBP2 (RAN binding protein 2; plus strand). Cytogenetic location: 2q13.
Variant type: Deletion.
Coding change: c.1088del on transcript NM_022336.4 (MANE Select); coding-DNA position 1088, one base deleted (C; older notation c.1088delC).
Protein change: p.Thr363fs; shifts the reading frame from threonine 363.
Molecular consequence: frameshift variant.
Genome position (GRCh38, 1-based): chr2:108,897,166, G deleted on the plus strand (C on the coding strand, the reverse complement: EDAR is on the minus strand). VCF-style (leftmost placement, unchanged base first): chr2-108897165-CG-C. GRCh37 (hg19) VCF-style: chr2-109513621-CG-C.
Other names: short protein forms T363fs.
Identifiers: ClinVar variation 643058 (VCV000643058.10), dbSNP rs1574362082, ClinGen allele CA915944092.
Genomic context (GRCh38, chr2:108,897,165, plus strand): 5'-CAGGCCGAAGCTCTCGGCGAGGTGGCGCCACGTTTTCACAACAGCCTTCTCAGAGTTGTA[CG>C]TGGAGCTGAGCATTCGGCTAGTCTTCTCGAGGCAATCAAATGGCAGCTCCGTGGGGCTAA-3'

ClinVar aggregate classification (germline): Pathogenic (1 of 4 stars; one submission).

Conditions:
Ectodermal dysplasia 10A, hypohidrotic/hair/nail type, autosomal dominant (ECTD10A). Also called: Ectodermal Dysplasia 3, Anhidrotic. Identifiers: Orphanet 1810, Orphanet 238468, MedGen C3888065, MONDO:0007509, OMIM 129490.
Autosomal recessive hypohidrotic ectodermal dysplasia syndrome. Also called: Autosomal recessive hypohidrotic ectodermal dysplasia. Identifiers: Orphanet 248, MedGen C0406702, MONDO:0016619.

Submission:

Labcorp Genetics (formerly Invitae), Labcorp
Classification: Pathogenic for Ectodermal dysplasia 10A, hypohidrotic/hair/nail type, autosomal dominant; Autosomal recessive hypohidrotic ectodermal dysplasia syndrome. Last evaluated: 2020-08-14. Review status: criteria provided, single submitter. Criteria: Invitae Variant Classification Sherloc (09022015). Collection method: clinical testing. Allele origin: germline.
Comment: This sequence change results in a premature translational stop signal in the EDAR gene (p.Thr363Serfs*9). While this is not anticipated to result in nonsense mediated decay, it is expected to disrupt the last 86 amino acids of the EDAR protein. This variant is not present in population databases (ExAC no frequency). This variant has not been reported in the literature in individuals with EDAR-related disease. Different truncations (p.Phe398* and p.Tyr364Thrfs*8) that lie downstream of this variant have been determined to be pathogenic (PMID: 23401279, 24641098, Invitae). This suggests that disruption of this region of the EDAR protein is causative of disease. For these reasons, this variant has been classified as Pathogenic.

Literature cited by the submitters: PubMed 23401279; PubMed 24641098.